The following is an entry in ClinVar:

NM_022458.4(LMBR1):c.*15G>A

Gene: LMBR1 (limb development membrane protein 1; minus strand). Cytogenetic location: 7q36.3.
Variant type: single nucleotide variant.
Coding change: c.*15G>A on transcript NM_022458.4 (MANE Select); 15 bases downstream of the stop codon, G replaced by A.
Molecular consequence: 3 prime UTR variant. On other transcripts: non-coding transcript variant (2).
Genome position (GRCh38, 1-based): chr7:156,684,063, C>T on the plus strand (G>A on the coding strand, the complement: LMBR1 is on the minus strand). VCF-style: chr7-156684063-C-T. GRCh37 (hg19) VCF-style: chr7-156476757-C-T.
Other names: c.*15G>A (NM_001350953.2, NM_001350954.2, NM_001350955.2 and 8 more transcripts).
Identifiers: ClinVar variation 359420 (VCV000359420.6), dbSNP rs78838110, ClinGen allele CA4587732.

ClinVar aggregate classification (germline): Benign. Review status: criteria provided, multiple submitters, no conflicts (2 of 4 stars). 2 submissions from 2 submitters: Benign (2). Last evaluated 2018-01-12.

Conditions:
Polydactyly of a triphalangeal thumb. Also called: POLYDACTYLY OF TRIPHALANGEAL THUMB; TRIPHALANGEAL THUMB-POLYDACTYLY SYNDROME; Polydactyly, preaxial type II. Identifiers: Orphanet 2439, Orphanet 2950, Orphanet 93336, MedGen C1868114, MONDO:0008270, OMIM 174500.

Allele frequency attached by ClinVar (database versions not stated): gnomAD exomes 0.00089 and 0.00249; ExAC 0.00307; 1000 Genomes Project 0.00919; gnomAD 0.00931 and 0.00995; ESP Exome Variant Server 0.01007; TOPMed 0.01026; 1000 Genomes Project 30x 0.01140.
gnomAD v4.1: 2,740 of 1,605,102 alleles (0.17%); highest among the groups gnomAD compares: African/African-American, 3.2%; 51 homozygotes.

Submissions (2):

Illumina Laboratory Services, Illumina
Classification: Benign for Polydactyly of a triphalangeal thumb. Last evaluated: 2018-01-12. Review status: criteria provided, single submitter. Criteria: ICSL Variant Classification Criteria 13 December 2019. Collection method: clinical testing. Allele origin: germline.
Comment: This variant was observed in the ICSL laboratory as part of a predisposition screen in an ostensibly healthy population. It had not been previously curated by ICSL or reported in the Human Gene Mutation Database (HGMD: prior to June 1st, 2018), and was therefore a candidate for classification through an automated scoring system. Utilizing variant allele frequency, disease prevalence and penetrance estimates, and inheritance mode, an automated score was calculated to assess if this variant is too frequent to cause the disease. Based on the score and internal cut-off values, a variant classified as benign is not then subjected to further curation. The score for this variant resulted in a classification of benign for this disease.

Breakthrough Genomics
Classification: Benign. Review status: criteria provided, single submitter. Criteria: ACMG Guidelines, 2015. Collection method: not provided. Allele origin: germline. Inheritance: Autosomal recessive inheritance. Affected: yes.